The following is an entry in ClinVar:

ClinVar aggregate classification (germline): Uncertain significance. Review status: criteria provided, multiple submitters, no conflicts (2 of 4 stars). 2 submissions from 2 submitters: Uncertain significance (2). Last evaluated 2024-07-22.

Conditions:
Inborn genetic diseases. Identifiers: MedGen C0950123, MeSH D030342.
Propionic acidemia (PROP). Also called: GLYCINEMIA, KETOTIC; HYPERGLYCINEMIA WITH KETOACIDOSIS AND LEUKOPENIA; KETOTIC HYPERGLYCINEMIA. Identifiers: Orphanet 35, MedGen C0268579, MONDO:0011628, OMIM 606054, HP:0003571.

Allele frequency attached by ClinVar (database versions not stated): gnomAD exomes 0.00003; ExAC 0.00004; TOPMed 0.00014; ESP Exome Variant Server 0.00015; gnomAD 0.00015 and 0.00017.

Submissions (2):

Ambry Genetics
Classification: Uncertain significance for Inborn genetic diseases. Last evaluated: 2024-07-22. Review status: criteria provided, single submitter. Criteria: Ambry Variant Classification Scheme 2023. Collection method: clinical testing. Allele origin: germline.

Labcorp Genetics (formerly Invitae), Labcorp
Classification: Uncertain significance for Propionic acidemia. Last evaluated: 2022-07-20. Review status: criteria provided, single submitter. Criteria: Invitae Variant Classification Sherloc (09022015). Collection method: clinical testing. Allele origin: germline.
Comment: This sequence change replaces methionine, which is neutral and non-polar, with valine, which is neutral and non-polar, at codon 128 of the PCCA protein (p.Met128Val). This variant is present in population databases (rs144201462, gnomAD 0.03%). This variant has not been reported in the literature in individuals affected with PCCA-related conditions. ClinVar contains an entry for this variant (Variation ID: 1448153). Advanced modeling of protein sequence and biophysical properties (such as structural, functional, and spatial information, amino acid conservation, physicochemical variation, residue mobility, and thermodynamic stability) performed at Invitae indicates that this missense variant is not expected to disrupt PCCA protein function. In summary, the available evidence is currently insufficient to determine the role of this variant in disease. Therefore, it has been classified as a Variant of Uncertain Significance.

NM_000282.4(PCCA):c.382A>G (p.Met128Val)

Gene: PCCA (propionyl-CoA carboxylase subunit alpha; plus strand). Cytogenetic location: 13q32.3.
Variant type: single nucleotide variant.
Coding change: c.382A>G on transcript NM_000282.4 (MANE Select); coding-DNA position 382, A replaced by G.
Protein change: p.Met128Val; replaces methionine 128 with valine.
Molecular consequence: missense variant. On other transcripts: 5 prime UTR variant (3), non-coding transcript variant (5).
Genome position (GRCh38, 1-based): chr13:100,155,060, A>G. VCF-style: chr13-100155060-A-G. GRCh37 (hg19) VCF-style: chr13-100807314-A-G.
Other names: c.382A>G (NM_000282.3); c.304A>G, p.Met102Val (NM_001127692.3, NM_001352607.2, NM_001352608.2); c.382A>G, p.Met128Val (NM_001178004.2, NM_001352605.2, NM_001352606.2 and 1 more transcripts); c.-485A>G (NM_001352610.2, NM_001352611.2, NM_001352612.2); short protein forms M102V, M128V.
Identifiers: ClinVar variation 1448153 (VCV001448153.4), dbSNP rs144201462, ClinGen allele CA7033202.